The following is an entry in ClinVar:

NM_024642.5(GALNT12):c.1184A>G (p.Tyr395Cys)

Gene: GALNT12 (polypeptide N-acetylgalactosaminyltransferase 12; plus strand). Cytogenetic location: 9q22.33.
Variant type: single nucleotide variant.
Coding change: c.1184A>G on transcript NM_024642.5 (MANE Select); coding-DNA position 1184, A replaced by G.
Protein change: p.Tyr395Cys; replaces tyrosine 395 with cysteine.
Molecular consequence: missense variant.
Genome position (GRCh38, 1-based): chr9:98,837,120, A>G. VCF-style: chr9-98837120-A-G. GRCh37 (hg19) VCF-style: chr9-101599402-A-G.
Other names: short protein forms Y395C.
Identifiers: ClinVar variation 1742933 (VCV001742933.4), dbSNP rs2490533660, ClinGen allele CA374220002.

ClinVar aggregate classification (germline): Uncertain significance (1 of 4 stars; one submission).

Allele frequency attached by ClinVar (database versions not stated): gnomAD exomes below 0.00001.
gnomAD v4.1: 1 of 1,614,152 alleles (0.000062%); highest among the groups gnomAD compares: Non-Finnish European, 0.000085%; no homozygotes.

Submission:

Ambry Genetics
Classification: Uncertain significance. Last evaluated: 2025-12-07. Review status: criteria provided, single submitter. Criteria: Ambry Variant Classification Scheme 2023. Collection method: clinical testing. Allele origin: germline.
Comment: The p.Y395C variant (also known as c.1184A>G), located in coding exon 6 of the GALNT12 gene, results from an A to G substitution at nucleotide position 1184. The tyrosine at codon 395 is replaced by cysteine, an amino acid with highly dissimilar properties. This variant was not reported in population based cohorts in the following databases: Database of Single Nucleotide Polymorphisms (dbSNP), NHLBI Exome Sequencing Project (ESP), and 1000 Genomes Project. In the ESP, this variant was not observed in 6503 samples (13006 alleles) with coverage at this position. This amino acid position is highly conserved in available vertebrate species. In addition, this alteration is predicted to be deleterious by in silico analysis. Since supporting evidence is limited at this time, the clinical significance of this alteration remains unclear.